The following is an entry in ClinVar:

NM_001042492.3(NF1):c.7062+1del

Gene: NF1 (neurofibromin 1; plus strand). Cytogenetic location: 17q11.2.
Variant type: Deletion.
Coding change: c.7062+1del on transcript NM_001042492.3 (MANE Select); the canonical splice donor site of the intron after coding-DNA position 7062, one base deleted (G; older notation c.7062+1delG).
Molecular consequence: splice donor variant.
Genome position (GRCh38, 1-based): chr17:31,340,646, G deleted; the last of 2 consecutive G bases (chr17:31,340,645-31,340,646); deleting either gives the same sequence. VCF-style (leftmost placement, unchanged base first): chr17-31340644-AG-A. GRCh37 (hg19) VCF-style: chr17-29667662-AG-A.
Other names: c.6999+1del (NM_000267.4).
Identifiers: ClinVar variation 3572049 (VCV003572049.1).
Genomic context (GRCh38, chr17:31,340,644, plus strand): 5'-GTACCGCACTTCTTGAACAAAACCTGCATACTTTAGATAGTCTCCGTATATTCAATGACA[AG>A]GTAAGCAAACTTTGCCTTGAGGTTCCTAGATTACTCAAATTTAGTACTCTTCCATCTTTT-3'

ClinVar aggregate classification (germline): Likely pathogenic (1 of 4 stars; one submission).

Submission:

Quest Diagnostics Nichols Institute San Juan Capistrano
Classification: Likely pathogenic. Last evaluated: 2024-10-19. Review status: criteria provided, single submitter. Criteria: Quest Diagnostics criteria. Collection method: clinical testing. Allele origin: unknown.
Comment: The NF1 c.6999+1del variant disrupts a canonical splice-donor site and is predicted to interfere with normal NF1 mRNA splicing. This variant is not expected to cause loss of expression through nonsense-mediated decay. However, it disrupts an important region of the protein, and therefore, is expected to disrupt protein function (PMID: 37081086 (2023)). To the best of our knowledge, this variant has not been reported in the published literature. A different variant that affects the same splice site (NF1 c.6999+1G>T) has been observed in an individual with neurofibromatosis 1 (NF1) (PMID: 26740943 (2015)). The NF1 c.6999+1del variant also has not been reported in large, multi-ethnic general populations (Genome Aggregation Database). Based on the available information, the NF1 c.6999+1del variant is classified as likely pathogenic.

Literature cited by the submitters: PubMed 26740943; PubMed 37081086.